The following is an entry in ClinVar:

ClinVar aggregate classification (germline): Uncertain significance. Review status: criteria provided, multiple submitters, no conflicts (2 of 4 stars). 2 submissions from 2 submitters: Uncertain significance (2). Last evaluated 2025-12-15.

Conditions:
Inborn genetic diseases. Identifiers: MedGen C0950123, MeSH D030342.

gnomAD v4.1: 12 of 1,609,800 alleles (0.00075%); highest among the groups gnomAD compares: Middle Eastern, 0.016%; no homozygotes.

Submissions (2):

Labcorp Genetics (formerly Invitae), Labcorp
Classification: Uncertain significance. Last evaluated: 2025-12-15. Review status: criteria provided, single submitter. Criteria: Invitae Variant Classification Sherloc (09022015). Collection method: clinical testing. Allele origin: germline.
Comment: This sequence change replaces valine, which is neutral and non-polar, with isoleucine, which is neutral and non-polar, at codon 560 of the ANKRD26 protein (p.Val560Ile). This variant is present in population databases (rs751528583, gnomAD 0.003%). This variant has not been reported in the literature in individuals affected with ANKRD26-related conditions. ClinVar contains an entry for this variant (Variation ID: 3867852). An algorithm developed to predict the effect of missense changes on protein structure and function outputs the following: PolyPhen-2: "Benign". The isoleucine amino acid residue is found in multiple mammalian species, which suggests that this missense change does not adversely affect protein function. In summary, the available evidence is currently insufficient to determine the role of this variant in disease. Therefore, it has been classified as a Variant of Uncertain Significance.

Ambry Genetics
Classification: Uncertain significance for Inborn genetic diseases. Last evaluated: 2025-07-31. Review status: criteria provided, single submitter. Criteria: Ambry Variant Classification Scheme 2023. Collection method: clinical testing. Allele origin: germline.

NM_014915.3(ANKRD26):c.1678G>A (p.Val560Ile)

Gene: ANKRD26 (ankyrin repeat domain 26; minus strand). Cytogenetic location: 10p12.1.
Variant type: single nucleotide variant.
Coding change: c.1678G>A on transcript NM_014915.3 (MANE Select); coding-DNA position 1678, G replaced by A.
Protein change: p.Val560Ile; replaces valine 560 with isoleucine.
Molecular consequence: missense variant.
Genome position (GRCh38, 1-based): chr10:27,048,937, C>T on the plus strand (G>A on the coding strand, the complement: ANKRD26 is on the minus strand). VCF-style: chr10-27048937-C-T. GRCh37 (hg19) VCF-style: chr10-27337866-C-T.
Other names: c.1678G>A, p.Val560Ile (NM_001256053.2); short protein forms V560I.
Identifiers: ClinVar variation 3867852 (VCV003867852.3).